The following is an entry in ClinVar:

NM_014679.5(CEP57):c.1451T>C (p.Met484Thr)

Gene: CEP57 (centrosomal protein 57; plus strand). Cytogenetic location: 11q21.
Variant type: single nucleotide variant.
Coding change: c.1451T>C on transcript NM_014679.5 (MANE Select); coding-DNA position 1451, T replaced by C.
Protein change: p.Met484Thr; replaces methionine 484 with threonine.
Molecular consequence: missense variant.
Genome position (GRCh38, 1-based): chr11:95,831,204, T>C. VCF-style: chr11-95831204-T-C. GRCh37 (hg19) VCF-style: chr11-95564368-T-C.
Other names: c.1424T>C, p.Met475Thr (NM_001243776.2); c.1373T>C, p.Met458Thr (NM_001243777.2); c.1370T>C, p.Met457Thr (NM_001363604.2); short protein forms M475T, M458T, M457T, M484T.
Identifiers: ClinVar variation 4001035 (VCV004001035.1).

ClinVar aggregate classification (germline): Uncertain significance (1 of 4 stars; one submission).

Conditions:
Inborn genetic diseases. Identifiers: MedGen C0950123, MeSH D030342.

gnomAD v4.1: 2 of 1,613,612 alleles (0.00012%); highest among the groups gnomAD compares: Non-Finnish European, 0.00017%; no homozygotes.

Submission:

Ambry Genetics
Classification: Uncertain significance for Inborn genetic diseases. Last evaluated: 2025-05-08. Review status: criteria provided, single submitter. Criteria: Ambry Variant Classification Scheme 2023. Collection method: clinical testing. Allele origin: germline.
Comment: The p.M484T variant (also known as c.1451T>C), located in coding exon 11 of the CEP57 gene, results from a T to C substitution at nucleotide position 1451. The methionine at codon 484 is replaced by threonine, an amino acid with similar properties. This amino acid position is conserved. In addition, the in silico prediction for this alteration is inconclusive. Based on the available evidence, the clinical significance of this variant remains unclear.